The following is an entry in ClinVar:

NM_000038.6(APC):c.196A>G (p.Ile66Val)

Gene: APC (APC regulator of Wnt signaling pathway; plus strand). Cytogenetic location: 5q22.2.
Variant type: single nucleotide variant.
Coding change: c.196A>G on transcript NM_000038.6 (MANE Select); coding-DNA position 196, A replaced by G.
Protein change: p.Ile66Val; replaces isoleucine 66 with valine.
Molecular consequence: missense variant. On other transcripts: 5 prime UTR variant (1).
Genome position (GRCh38, 1-based): chr5:112,766,386, A>G. VCF-style: chr5-112766386-A-G. GRCh37 (hg19) VCF-style: chr5-112102083-A-G.
Other names: c.196A>G, p.Ile66Val (NM_001127510.3, NM_001354895.2, NM_001354896.2 and 2 more transcripts); c.226A>G, p.Ile76Val (NM_001127511.3, NM_001354897.2, NM_001354902.2); c.121A>G, p.Ile41Val (NM_001354898.2, NM_001354904.2); c.19A>G, p.Ile7Val (NM_001354900.2, NM_001354901.2, NM_001354905.2); c.-840A>G (NM_001354906.2); short protein forms I76V, I66V, I41V, I7V.
Identifiers: ClinVar variation 846881 (VCV000846881.12), dbSNP rs764962781, ClinGen allele CA030503.
Genomic context (GRCh38, chr5:112,766,386, plus strand): 5'-GAAGTACTTAAACAACTACAAGGAAGTATTGAAGATGAAGCTATGGCTTCTTCTGGACAG[A>G]TTGATTTATTAGAGCGTCTTAAAGGTAGATTTTAAAAAGGTGTTTTAAAATAATTTTTTA-3'
Protein context (NP_000029.2, residues 56-76): EDEAMASSGQ[Ile66Val]DLLERLKELN

ClinVar aggregate classification (germline): Uncertain significance. Review status: criteria provided, multiple submitters, no conflicts (2 of 4 stars). 2 submissions from 2 submitters: Uncertain significance (2). Last evaluated 2025-04-10.

Conditions:
Hereditary cancer-predisposing syndrome. Also called: Tumor predisposition; Hereditary neoplastic syndrome; Neoplastic Syndromes, Hereditary; Hereditary Cancer Syndrome. Identifiers: Orphanet 140162, MedGen C0027672, MeSH D009386, MONDO:0015356.
Familial adenomatous polyposis 1 (FAP1). Also called: FAMILIAL ADENOMATOUS POLYPOSIS 1, ATTENUATED; POLYPOSIS, ADENOMATOUS INTESTINAL. Identifiers: MedGen C2713442, MONDO:0021056, OMIM 175100. Disease mechanism: loss of function.

Allele frequency attached by ClinVar (database versions not stated): gnomAD exomes below 0.00001; ExAC 0.00001.

Submissions (2):

Labcorp Genetics (formerly Invitae), Labcorp
Classification: Uncertain significance for Familial adenomatous polyposis 1. Last evaluated: 2025-04-10. Review status: criteria provided, single submitter. Criteria: Invitae Variant Classification Sherloc (09022015). Collection method: clinical testing. Allele origin: germline.
Comment: This sequence change replaces isoleucine, which is neutral and non-polar, with valine, which is neutral and non-polar, at codon 66 of the APC protein (p.Ile66Val). This variant is present in population databases (rs764962781, gnomAD 0.0009%). This variant has not been reported in the literature in individuals affected with APC-related conditions. ClinVar contains an entry for this variant (Variation ID: 846881). Invitae Evidence Modeling of protein sequence and biophysical properties (such as structural, functional, and spatial information, amino acid conservation, physicochemical variation, residue mobility, and thermodynamic stability) indicates that this missense variant is not expected to disrupt APC protein function with a negative predictive value of 95%. In summary, the available evidence is currently insufficient to determine the role of this variant in disease. Therefore, it has been classified as a Variant of Uncertain Significance.

Ambry Genetics
Classification: Uncertain significance for Hereditary cancer-predisposing syndrome. Last evaluated: 2024-07-28. Review status: criteria provided, single submitter. Criteria: Ambry Variant Classification Scheme 2023. Collection method: clinical testing. Allele origin: germline.
Comment: The p.I66V variant (also known as c.196A>G), located in coding exon 2 of the APC gene, results from an A to G substitution at nucleotide position 196. The isoleucine at codon 66 is replaced by valine, an amino acid with highly similar properties. This amino acid position is conserved. In addition, in silico predictors for this gene do not accurately predict pathogenicity. Based on the available evidence, the clinical significance of this variant remains unclear.